The following is an entry in ClinVar:

ClinVar aggregate classification (germline): Likely benign (1 of 4 stars; one submission).

Allele frequency attached by ClinVar (database versions not stated): TOPMed below 0.00001; ExAC 0.00003.
gnomAD v4.1: 32 of 1,614,038 alleles (0.002%); highest among the groups gnomAD compares: Non-Finnish European, 0.0025%; no homozygotes.

Submission:

CeGaT Center for Human Genetics Tuebingen
Classification: Likely benign. Last evaluated: 2023-04-01. Review status: criteria provided, single submitter. Criteria: CeGaT Center For Human Genetics Tuebingen Variant Classification Criteria Version 2. Collection method: clinical testing. Allele origin: germline. Affected: yes. Observed: 1 variant allele.
Comment: PRAG1: BP4, BP7

NM_001080826.3(PRAG1):c.150A>G (p.Arg50=)

Gene: PRAG1 (PEAK1 related, kinase-activating pseudokinase 1). Cytogenetic location: 8p23.1.
Variant type: single nucleotide variant.
Coding change: c.150A>G on transcript NM_001080826.3 (MANE Select); coding-DNA position 150, A replaced by G.
Protein change: p.Arg50=; no amino-acid change (arginine 50 retained).
Molecular consequence: synonymous variant. On other transcripts: non-coding transcript variant (1).
Genome position (GRCh38, 1-based): chr8:8,381,598, T>C on the plus strand (A>G on the coding strand, the complement: PRAG1 is on the minus strand). VCF-style: chr8-8381598-T-C. GRCh37 (hg19) VCF-style: chr8-8239108-T-C.
Other names: c.150A>G, p.Arg50= (NM_001369759.1).
Identifiers: ClinVar variation 2658374 (VCV002658374.24), dbSNP rs564059063, ClinGen allele CA4618385.